The following is an entry in ClinVar:

NM_174889.5(NDUFAF2):c.217+42A>G

Gene: NDUFAF2 (NADH:ubiquinone oxidoreductase complex assembly factor 2; plus strand). Cytogenetic location: 5q12.1.
Variant type: single nucleotide variant.
Coding change: c.217+42A>G on transcript NM_174889.5 (MANE Select); 42 bases into the intron after coding-DNA position 217, A replaced by G.
Molecular consequence: intron variant.
Genome position (GRCh38, 1-based): chr5:61,073,256, A>G. VCF-style: chr5-61073256-A-G. GRCh37 (hg19) VCF-style: chr5-60369083-A-G.
Identifiers: ClinVar variation 671559 (VCV000671559.4), dbSNP rs10471502, ClinGen allele CA3278137.

ClinVar aggregate classification (germline): Benign. Review status: criteria provided, multiple submitters, no conflicts (2 of 4 stars). 3 submissions from 3 submitters: Benign (3). Last evaluated 2021-09-05.

Conditions:
Mitochondrial complex I deficiency, nuclear type 10. Also called: Mitochondrial complex 1 deficiency, nuclear type 10. Identifiers: MedGen C4748768, MONDO:0032616, OMIM 618233.

Allele frequency attached by ClinVar (database versions not stated): ESP Exome Variant Server 0.60434; gnomAD 0.61728 and 0.62432; TOPMed 0.62496; gnomAD exomes 0.66515 and 0.68396; 1000 Genomes Project 30x 0.66896; 1000 Genomes Project 0.67512; ExAC 0.67742.
gnomAD v4.1: 919,419 of 1,391,362 alleles (66%); highest among the groups gnomAD compares: East Asian, 95%; 306,452 homozygotes.

Submissions (3):

Genome-Nilou Lab
Classification: Benign for Mitochondrial complex I deficiency, nuclear type 10. Last evaluated: 2021-09-05. Review status: criteria provided, single submitter. Criteria: ACMG Guidelines, 2015. Collection method: clinical testing. Allele origin: germline. Affected: no.

GeneDx
Classification: Benign. Last evaluated: 2018-06-14. Review status: criteria provided, single submitter. Criteria: GeneDx Variant Classification (06012015). Collection method: clinical testing. Allele origin: germline. Affected: yes.
Comment: This variant is considered likely benign or benign based on one or more of the following criteria: it is a conservative change, it occurs at a poorly conserved position in the protein, it is predicted to be benign by multiple in silico algorithms, and/or has population frequency not consistent with disease.

Breakthrough Genomics
Classification: Benign. Review status: criteria provided, single submitter. Criteria: ACMG Guidelines, 2015. Collection method: not provided. Allele origin: germline. Inheritance: Autosomal recessive inheritance. Affected: yes.